The following is an entry in ClinVar:

NM_014975.3(MAST1):c.2344A>T (p.Ser782Cys)

Genes: MAST1 (microtubule associated serine/threonine kinase 1; plus strand), LOC112543452 (Sharpr-MPRA regulatory region 6054; plus strand). Cytogenetic location: 19p13.13.
Variant type: single nucleotide variant.
Coding change: c.2344A>T on transcript NM_014975.3 (MANE Select); coding-DNA position 2344, A replaced by T.
Protein change: p.Ser782Cys; replaces serine 782 with cysteine.
Molecular consequence: missense variant.
Genome position (GRCh38, 1-based): chr19:12,867,755, A>T. VCF-style: chr19-12867755-A-T. GRCh37 (hg19) VCF-style: chr19-12978569-A-T.
Other names: short protein forms S782C.
Identifiers: ClinVar variation 1879417 (VCV001879417.29), dbSNP rs762283370, ClinGen allele CA9233123.
Genomic context (GRCh38, chr19:12,867,755, plus strand): 5'-GGCGTGTCTTCCATAACCACGCCCCCTCCATGCAGCAAGCGATTCTCCGCGTCCGAGGCC[A>T]GTTTCCTGGAGGGAGAGGCCAGTCCCCCTTTGGGCGCCCGCCGCCGTTTCTCGGCGCTGC-3'
Protein context (NP_055790.1, residues 772-792): EIKRFSASEA[Ser782Cys]FLEGEASPPL

ClinVar aggregate classification (germline): Uncertain significance (1 of 4 stars; one submission).

Allele frequency attached by ClinVar (database versions not stated): gnomAD exomes below 0.00001; ExAC 0.00004.
gnomAD v4.1: 2 of 1,538,620 alleles (0.00013%); highest among the groups gnomAD compares: South Asian, 0.0012%; no homozygotes.

Submission:

CeGaT Center for Human Genetics Tuebingen
Classification: Uncertain significance. Last evaluated: 2022-12-01. Review status: criteria provided, single submitter. Criteria: CeGaT Center For Human Genetics Tuebingen Variant Classification Criteria Version 2. Collection method: clinical testing. Allele origin: germline. Affected: yes. Observed: 1 variant allele.
Comment: MAST1: PM2, PP2, BP4